The following is an entry in ClinVar:

NM_022455.5(NSD1):c.3764G>A (p.Ser1255Asn)

Gene: NSD1 (nuclear receptor binding SET domain protein 1; plus strand). Cytogenetic location: 5q35.3.
Variant type: single nucleotide variant.
Coding change: c.3764G>A on transcript NM_022455.5 (MANE Select); coding-DNA position 3764, G replaced by A.
Protein change: p.Ser1255Asn; replaces serine 1255 with asparagine.
Molecular consequence: missense variant.
Genome position (GRCh38, 1-based): chr5:177,212,163, G>A. VCF-style: chr5-177212163-G-A. GRCh37 (hg19) VCF-style: chr5-176639164-G-A.
Other names: c.2891G>A, p.Ser964Asn (NM_001365684.2, NM_001409306.1, NM_001409307.1 and 3 more transcripts); c.3764G>A, p.Ser1255Asn (NM_001409301.1, NM_001409302.1, NM_001409303.1); c.3344G>A, p.Ser1115Asn (NM_001409304.1); c.3011G>A, p.Ser1004Asn (NM_001409305.1); short protein forms S1255N, S986N, S1004N, S1115N, S964N.
Identifiers: ClinVar variation 1334655 (VCV001334655.5), dbSNP rs1389749444, ClinGen allele CA362327874.

ClinVar aggregate classification (germline): Conflicting classifications of pathogenicity. Review status: criteria provided, conflicting classifications (1 of 4 stars). 2 submissions from 2 submitters: Uncertain significance (1); Likely benign (1). Last evaluated 2022-09-05.

Allele frequency attached by ClinVar (database versions not stated): gnomAD exomes below 0.00001 and 0.00003; TOPMed 0.00002; gnomAD 0.00003.
gnomAD v4.1: 48 of 1,613,732 alleles (0.003%); highest among the groups gnomAD compares: Non-Finnish European, 0.0039%; no homozygotes.

Submissions (2):

Blueprint Genetics
Classification: Likely benign. Last evaluated: 2022-09-05. Review status: criteria provided, single submitter. Criteria: ACMG Guidelines, 2015. Collection method: clinical testing. Allele origin: germline.

Greenwood Genetic Center Diagnostic Laboratories, Greenwood Genetic Center
Classification: Uncertain significance. Last evaluated: 2021-11-15. Review status: criteria provided, single submitter. Criteria: ACMG Guidelines, 2015. Collection method: clinical testing. Allele origin: germline. Affected: yes.
Comment: PM2, PP2